The following is an entry in ClinVar:

ClinVar aggregate classification (germline): Uncertain significance (1 of 4 stars; one submission).

Conditions:
Bloom syndrome (BLM). Also called: Bloom-Torre-Machacek syndrome. Identifiers: Orphanet 125, MedGen C0005859, MONDO:0008876, OMIM 210900.

Submission:

Labcorp Genetics (formerly Invitae), Labcorp
Classification: Uncertain significance for Bloom syndrome. Last evaluated: 2023-08-14. Review status: criteria provided, single submitter. Criteria: Invitae Variant Classification Sherloc (09022015). Collection method: clinical testing. Allele origin: germline.
Comment: This sequence change replaces aspartic acid, which is acidic and polar, with histidine, which is basic and polar, at codon 292 of the BLM protein (p.Asp292His). This variant is not present in population databases (gnomAD no frequency). This variant has not been reported in the literature in individuals affected with BLM-related conditions. Advanced modeling of protein sequence and biophysical properties (such as structural, functional, and spatial information, amino acid conservation, physicochemical variation, residue mobility, and thermodynamic stability) performed at Invitae indicates that this missense variant is not expected to disrupt BLM protein function. In summary, the available evidence is currently insufficient to determine the role of this variant in disease. Therefore, it has been classified as a Variant of Uncertain Significance.

NM_000057.4(BLM):c.874G>C (p.Asp292His)

Gene: BLM (BLM RecQ like helicase; plus strand). Cytogenetic location: 15q26.1.
Variant type: single nucleotide variant.
Coding change: c.874G>C on transcript NM_000057.4 (MANE Select); coding-DNA position 874, G replaced by C.
Protein change: p.Asp292His; replaces aspartic acid 292 with histidine.
Molecular consequence: missense variant. On other transcripts: 5 prime UTR variant (1).
Genome position (GRCh38, 1-based): chr15:90,751,861, G>C. VCF-style: chr15-90751861-G-C. GRCh37 (hg19) VCF-style: chr15-91295091-G-C.
Other names: c.874G>C, p.Asp292His (NM_001287246.2, NM_001287247.2); c.-418G>C (NM_001287248.2); short protein forms D292H.
Identifiers: ClinVar variation 2752480 (VCV002752480.3), dbSNP rs2505399989, ClinGen allele CA393841781.